The following is an entry in ClinVar:

NM_000548.5(TSC2):c.4078G>C (p.Glu1360Gln)

Gene: TSC2 (TSC complex subunit 2; plus strand). Cytogenetic location: 16p13.3.
Variant type: single nucleotide variant.
Coding change: c.4078G>C on transcript NM_000548.5 (MANE Select); coding-DNA position 4078, G replaced by C.
Protein change: p.Glu1360Gln; replaces glutamic acid 1360 with glutamine.
Molecular consequence: missense variant.
Genome position (GRCh38, 1-based): chr16:2,084,300, G>C. VCF-style: chr16-2084300-G-C. GRCh37 (hg19) VCF-style: chr16-2134301-G-C.
Other names: c.3877G>C, p.Glu1293Gln (NM_001077183.3); c.4009G>C, p.Glu1337Gln (NM_001114382.3); c.3769G>C, p.Glu1257Gln (NM_001318827.2); c.3733G>C, p.Glu1245Gln (NM_001318829.2); c.3346G>C, p.Glu1116Gln (NM_001318831.2); c.3910G>C, p.Glu1304Gln (NM_001318832.2); c.3880G>C, p.Glu1294Gln (NM_001363528.2); c.3946G>C, p.Glu1316Gln (NM_001370404.1); and 1 more; short protein forms E1245Q, E1316Q, E1337Q, E1360Q, E1116Q, E1257Q, E1294Q, E1293Q.
Identifiers: ClinVar variation 640346 (VCV000640346.10), dbSNP rs397514997, ClinGen allele CA394299426.

ClinVar aggregate classification (germline): Uncertain significance (1 of 4 stars; one submission).

Conditions:
Tuberous sclerosis 2 (TSC2). Identifiers: Orphanet 805, MedGen C1860707, MONDO:0013199, OMIM 613254.

Submission:

Labcorp Genetics (formerly Invitae), Labcorp
Classification: Uncertain significance for Tuberous sclerosis 2. Last evaluated: 2019-11-10. Review status: criteria provided, single submitter. Criteria: Invitae Variant Classification Sherloc (09022015). Collection method: clinical testing. Allele origin: germline.
Comment: In summary, the available evidence is currently insufficient to determine the role of this variant in disease. Therefore, it has been classified as a Variant of Uncertain Significance. Algorithms developed to predict the effect of missense changes on protein structure and function are either unavailable or do not agree on the potential impact of this missense change (SIFT: "Tolerated"; PolyPhen-2: "Possibly Damaging"; Align-GVGD: "Class C0"). This variant has not been reported in the literature in individuals with TSC2-related disease. This variant is not present in population databases (ExAC no frequency). This sequence change replaces glutamic acid with glutamine at codon 1360 of the TSC2 protein (p.Glu1360Gln). The glutamic acid residue is moderately conserved and there is a small physicochemical difference between glutamic acid and glutamine.